The following is an entry in ClinVar:

ClinVar aggregate classification (germline): Likely benign (1 of 4 stars; one submission).

Allele frequency attached by ClinVar (database versions not stated): gnomAD exomes below 0.00001 and 0.00001; TOPMed below 0.00001; ExAC 0.00001.
gnomAD v4.1: 2 of 1,602,398 alleles (0.00012%); highest among the groups gnomAD compares: Admixed American, 0.0034%; no homozygotes.

Submission:

GeneDx
Classification: Likely benign. Last evaluated: 2016-05-13. Review status: criteria provided, single submitter. Criteria: GeneDx Variant Classification (06012015). Collection method: clinical testing. Allele origin: germline. Affected: yes.
Comment: This variant is considered likely benign or benign based on one or more of the following criteria: it is a conservative change, it occurs at a poorly conserved position in the protein, it is predicted to be benign by multiple in silico algorithms, and/or has population frequency not consistent with disease.

NM_020117.11(LARS1):c.2208A>G (p.Ala736=)

Gene: LARS1 (leucyl-tRNA synthetase 1; minus strand). Cytogenetic location: 5q32.
Variant type: single nucleotide variant.
Coding change: c.2208A>G on transcript NM_020117.11 (MANE Select); coding-DNA position 2208, A replaced by G.
Protein change: p.Ala736=; no amino-acid change (alanine 736 retained).
Molecular consequence: synonymous variant.
Genome position (GRCh38, 1-based): chr5:146,135,605, T>C on the plus strand (A>G on the coding strand, the complement: LARS1 is on the minus strand). VCF-style: chr5-146135605-T-C. GRCh37 (hg19) VCF-style: chr5-145515168-T-C.
Other names: c.2070A>G, p.Ala690= (NM_001317964.2); c.2046A>G, p.Ala682= (NM_001317965.2); c.2127A>G, p.Ala709= (NM_016460.4).
Identifiers: ClinVar variation 385809 (VCV000385809.1), dbSNP rs761993281, ClinGen allele CA3489401.
Genomic context (GRCh38, chr5:146,135,605, plus strand): 5'-TCTATAATCTGAGAACTGGACCCTACAGAACAGCAATAAGAAAAATGTTTACTCACCATC[T>C]GCTGAAAATTTGTCAATAGCTTGGGTCAAAGTGAGGAAGTTGCCTGTGGATTTTGACATC-3'
Protein context (NP_064502.9, residues 726-746): TLTQAIDKFS[Ala736=]DGMRLALADA